The following is an entry in ClinVar:

ClinVar aggregate classification (germline): Uncertain significance (1 of 4 stars; one submission).

Conditions:
Hereditary cancer-predisposing syndrome. Also called: Hereditary neoplastic syndrome; Neoplastic Syndromes, Hereditary; Tumor predisposition; Hereditary Cancer Syndrome. Identifiers: Orphanet 140162, MedGen C0027672, MeSH D009386, MONDO:0015356.

Submission:

Ambry Genetics
Classification: Uncertain significance for Hereditary cancer-predisposing syndrome. Last evaluated: 2025-01-20. Review status: criteria provided, single submitter. Criteria: Ambry Variant Classification Scheme 2023. Collection method: clinical testing. Allele origin: germline.
Comment: The p.Q385R variant (also known as c.1154A>G), located in coding exon 7 of the FLCN gene, results from an A to G substitution at nucleotide position 1154. The glutamine at codon 385 is replaced by arginine, an amino acid with highly similar properties. This amino acid position is conserved. In addition, this alteration is predicted to be tolerated by in silico analysis. Based on the available evidence, the clinical significance of this variant remains unclear.

NM_144997.7(FLCN):c.1154A>G (p.Gln385Arg)

Gene: FLCN (folliculin; minus strand). Cytogenetic location: 17p11.2.
Variant type: single nucleotide variant.
Coding change: c.1154A>G on transcript NM_144997.7 (MANE Select); coding-DNA position 1154, A replaced by G.
Protein change: p.Gln385Arg; replaces glutamine 385 with arginine.
Molecular consequence: missense variant.
Genome position (GRCh38, 1-based): chr17:17,217,091, T>C on the plus strand (A>G on the coding strand, the complement: FLCN is on the minus strand). VCF-style: chr17-17217091-T-C. GRCh37 (hg19) VCF-style: chr17-17120405-T-C.
Other names: c.1208A>G, p.Gln403Arg (NM_001353229.2); c.1154A>G, p.Gln385Arg (NM_001353230.2, NM_001353231.2); short protein forms Q385R, Q403R.
Identifiers: ClinVar variation 3850556 (VCV003850556.1).